The following is an entry in ClinVar:

ClinVar aggregate classification (germline): Uncertain significance (1 of 4 stars; one submission).

Conditions:
Hereditary spastic paraplegia 48. Also called: SPASTIC PARAPLEGIA 48, AUTOSOMAL RECESSIVE; Spastic paraplegia 48. Identifiers: Orphanet 306511, MedGen C3150901, MONDO:0013342, OMIM 613647.

Allele frequency attached by ClinVar (database versions not stated): gnomAD exomes below 0.00001.
gnomAD v4.1: 2 of 1,601,754 alleles (0.00012%); highest among the groups gnomAD compares: Non-Finnish European, 0.00017%; no homozygotes.

Submission:

Labcorp Genetics (formerly Invitae), Labcorp
Classification: Uncertain significance for Hereditary spastic paraplegia 48. Last evaluated: 2022-07-25. Review status: criteria provided, single submitter. Criteria: Invitae Variant Classification Sherloc (09022015). Collection method: clinical testing. Allele origin: germline.
Comment: This sequence change falls in intron 12 of the AP5Z1 gene. It does not directly change the encoded amino acid sequence of the AP5Z1 protein. It affects a nucleotide within the consensus splice site. In summary, the available evidence is currently insufficient to determine the role of this variant in disease. Therefore, it has been classified as a Variant of Uncertain Significance. Variants that disrupt the consensus splice site are a relatively common cause of aberrant splicing (PMID: 17576681, 9536098). Algorithms developed to predict the effect of sequence changes on RNA splicing suggest that this variant is not likely to affect RNA splicing. This variant has not been reported in the literature in individuals affected with AP5Z1-related conditions. This variant is not present in population databases (gnomAD no frequency).

Literature cited by the submitters: PubMed 17576681; PubMed 9536098.

NM_014855.3(AP5Z1):c.1596-3C>T

Gene: AP5Z1 (adaptor related protein complex 5 subunit zeta 1; plus strand). Cytogenetic location: 7p22.1.
Variant type: single nucleotide variant.
Coding change: c.1596-3C>T on transcript NM_014855.3 (MANE Select); 3 bases into the intron before coding-DNA position 1596, C replaced by T.
Molecular consequence: intron variant.
Genome position (GRCh38, 1-based): chr7:4,788,837, C>T. VCF-style: chr7-4788837-C-T. GRCh37 (hg19) VCF-style: chr7-4828468-C-T.
Other names: c.1128-3C>T (NM_001364858.1).
Identifiers: ClinVar variation 2019566 (VCV002019566.4), dbSNP rs2115122331, ClinGen allele CA2580076825.